The following is an entry in ClinVar:

ClinVar aggregate classification (germline): Uncertain significance (1 of 4 stars; one submission).

Submission:

Mayo Clinic Laboratories, Mayo Clinic
Classification: Uncertain significance. Last evaluated: 2024-10-15. Review status: criteria provided, single submitter. Criteria: ACMG Guidelines, 2015. Collection method: clinical testing. Allele origin: germline. Observed: 1 variant allele.
Comment: BP4

NM_138773.4(SLC25A46):c.1174G>A (p.Val392Ile)

Gene: SLC25A46 (solute carrier family 25 member 46; plus strand). Cytogenetic location: 5q22.1.
Variant type: single nucleotide variant.
Coding change: c.1174G>A on transcript NM_138773.4 (MANE Select); coding-DNA position 1174, G replaced by A.
Protein change: p.Val392Ile; replaces valine 392 with isoleucine.
Molecular consequence: missense variant. On other transcripts: non-coding transcript variant (1).
Genome position (GRCh38, 1-based): chr5:110,761,699, G>A. VCF-style: chr5-110761699-G-A. GRCh37 (hg19) VCF-style: chr5-110097399-G-A.
Other names: p.Val392Ile; c.931G>A, p.Val311Ile (NM_001303249.3); c.901G>A, p.Val301Ile (NM_001303250.3); short protein forms V311I, V392I, V301I.
Identifiers: ClinVar variation 4541058 (VCV004541058.1).